The following is an entry in ClinVar:

ClinVar aggregate classification (germline): Likely benign. Review status: criteria provided, multiple submitters, no conflicts (2 of 4 stars). 3 submissions from 3 submitters: Likely benign (2). 1 of the submissions does not count toward it. Last evaluated 2023-12-01.

Conditions:
PKD1-related disorder. Also called: PKD1-related condition.
Autosomal dominant polycystic kidney disease. Identifiers: Orphanet 730, MedGen C0085413, MONDO:0004691.

Allele frequency attached by ClinVar (database versions not stated): TOPMed 0.00003; gnomAD 0.00005; gnomAD exomes 0.00006; ExAC 0.00007; 1000 Genomes Project 30x 0.00016; 1000 Genomes Project 0.00020.
gnomAD v4.1: 95 of 1,605,894 alleles (0.0059%); highest among the groups gnomAD compares: South Asian, 0.023%; no homozygotes.

Submissions (3):

Blueprint Genetics
Classification: Likely benign. Last evaluated: 2023-12-01. Review status: criteria provided, single submitter. Criteria: ACMG Guidelines, 2015. Collection method: clinical testing. Allele origin: germline.

Department of Pathology and Laboratory Medicine, Sinai Health System
Classification: Likely benign for autosomal dominant polycystic kidney disease. Last evaluated: 2021-06-14. Review status: criteria provided, single submitter. Criteria: ACMG Guidelines, 2015. Collection method: clinical testing. Allele origin: germline. Affected: yes.

PreventionGenetics, part of Exact Sciences
Classification: Likely benign for PKD1-related condition. Last evaluated: 2021-09-21. Review status: no assertion criteria provided. Collection method: clinical testing. Allele origin: germline. Not counted in ClinVar's aggregate classification.
Comment: This variant is classified as likely benign based on ACMG/AMP sequence variant interpretation guidelines (Richards et al. 2015 PMID: 25741868, with internal and published modifications).

NM_001009944.3(PKD1):c.1202-10C>T

Gene: PKD1 (polycystin 1, transient receptor potential channel interacting; minus strand). Cytogenetic location: 16p13.3.
Variant type: single nucleotide variant.
Coding change: c.1202-10C>T on transcript NM_001009944.3 (MANE Select); 10 bases into the intron before coding-DNA position 1202, C replaced by T.
Molecular consequence: intron variant.
Genome position (GRCh38, 1-based): chr16:2,117,682, G>A on the plus strand (C>T on the coding strand, the complement: PKD1 is on the minus strand). VCF-style: chr16-2117682-G-A. GRCh37 (hg19) VCF-style: chr16-2167683-G-A.
Other names: c.1202-10C>T (NM_000296.4).
Identifiers: ClinVar variation 3029993 (VCV003029993.4), dbSNP rs529554291, ClinGen allele CA7833578.